The following is an entry in ClinVar:

ClinVar aggregate classification (germline): Uncertain significance (1 of 4 stars; one submission).

Conditions:
Neuropathy, hereditary sensory and autonomic, type 2A (HSAN2A). Also called: HSAN IIA; MORVAN DISEASE; NEUROPATHY, CONGENITAL SENSORY; NEUROPATHY, HEREDITARY SENSORY RADICULAR, AUTOSOMAL RECESSIVE; NEUROPATHY, HEREDITARY SENSORY, TYPE IIA; NEUROPATHY, PROGRESSIVE SENSORY, OF CHILDREN. Identifiers: Orphanet 970, MedGen C2752089, MONDO:0024309, OMIM 201300.
Generalized epilepsy with febrile seizures plus, type 7 (GEFSP7). Also called: GEFS+, TYPE 7. Identifiers: Orphanet 36387, MedGen C2751778, MONDO:0013470, OMIM 613863.

Allele frequency attached by ClinVar (database versions not stated): gnomAD exomes below 0.00001; TOPMed below 0.00001.

Submission:

Labcorp Genetics (formerly Invitae), Labcorp
Classification: Uncertain significance for Neuropathy, hereditary sensory and autonomic, type 2A; Generalized epilepsy with febrile seizures plus, type 7. Last evaluated: 2020-03-12. Review status: criteria provided, single submitter. Criteria: Invitae Variant Classification Sherloc (09022015). Collection method: clinical testing. Allele origin: germline.
Comment: In summary, the available evidence is currently insufficient to determine the role of this variant in disease. Therefore, it has been classified as a Variant of Uncertain Significance. Algorithms developed to predict the effect of missense changes on protein structure and function (SIFT, PolyPhen-2, Align-GVGD) all suggest that this variant is likely to be tolerated, but these predictions have not been confirmed by published functional studies and their clinical significance is uncertain. This variant has not been reported in the literature in individuals with SCN9A-related conditions. This variant is not present in population databases (ExAC no frequency). This sequence change replaces arginine with lysine at codon 528 of the SCN9A protein (p.Arg528Lys). The arginine residue is moderately conserved and there is a small physicochemical difference between arginine and lysine.

NM_001365536.1(SCN9A):c.1583G>A (p.Arg528Lys)

Genes: SCN1A-AS1 (SCN1A and SCN9A antisense RNA 1; plus strand), SCN9A (sodium voltage-gated channel alpha subunit 9; minus strand). Cytogenetic location: 2q24.3.
Variant type: single nucleotide variant.
Coding change: c.1583G>A on transcript NM_001365536.1 (MANE Select); coding-DNA position 1583, G replaced by A.
Protein change: p.Arg528Lys; replaces arginine 528 with lysine.
Molecular consequence: missense variant.
Genome position (GRCh38, 1-based): chr2:166,286,355, C>T on the plus strand (G>A on the coding strand, the complement: SCN9A is on the minus strand). VCF-style: chr2-166286355-C-T. GRCh37 (hg19) VCF-style: chr2-167142865-C-T.
Other names: c.1583G>A, p.Arg528Lys (NM_002977.4); short protein forms R528K.
Identifiers: ClinVar variation 1006744 (VCV001006744.9), dbSNP rs1403714469, ClinGen allele CA349084238.
Genomic context (GRCh38, chr2:166,286,355, plus strand): 5'-TTCTGCCTCGGGTGATACACATTTAGCAATTTGGGTGGTACCTGATTGGGGGTAGACAAC[C>T]TCTTTTCATGTGCTCGCCTATGCCCTTCGACACCAAGGTGGAAACTTTTTCTTCTGATGC-3'
Protein context (NP_001352465.1, residues 518-538): VEGHRRAHEK[Arg528Lys]LSTPNQSPLS